The following is an entry in ClinVar:

ClinVar aggregate classification (germline): Uncertain significance (1 of 4 stars; one submission).

Conditions:
Spastic paraplegia. Identifiers: MedGen C0037772, HP:0001258.

Allele frequency attached by ClinVar (database versions not stated): TOPMed 0.00002.
gnomAD v4.1: 2 of 1,208,151 alleles (0.00017%); no homozygotes.

Submission:

Labcorp Genetics (formerly Invitae), Labcorp
Classification: Uncertain significance for Spastic paraplegia. Last evaluated: 2023-10-22. Review status: criteria provided, single submitter. Criteria: Invitae Variant Classification Sherloc (09022015). Collection method: clinical testing. Allele origin: germline.
Comment: This sequence change replaces phenylalanine, which is neutral and non-polar, with serine, which is neutral and polar, at codon 269 of the L1CAM protein (p.Phe269Ser). This variant is not present in population databases (gnomAD no frequency). This variant has not been reported in the literature in individuals affected with L1CAM-related conditions. An algorithm developed to predict the effect of missense changes on protein structure and function (PolyPhen-2) suggests that this variant is likely to be disruptive. In summary, the available evidence is currently insufficient to determine the role of this variant in disease. Therefore, it has been classified as a Variant of Uncertain Significance.

NM_001278116.2(L1CAM):c.806T>C (p.Phe269Ser)

Gene: L1CAM (L1 cell adhesion molecule; minus strand). Cytogenetic location: Xq28.
Variant type: single nucleotide variant.
Coding change: c.806T>C on transcript NM_001278116.2 (MANE Select); coding-DNA position 806, T replaced by C.
Protein change: p.Phe269Ser; replaces phenylalanine 269 with serine.
Molecular consequence: missense variant.
Genome position (GRCh38, 1-based): chrX:153,870,388, A>G on the plus strand (T>C on the coding strand, the complement: L1CAM is on the minus strand). VCF-style: chrX-153870388-A-G. GRCh37 (hg19) VCF-style: chrX-153135843-A-G.
Other names: c.806T>C, p.Phe269Ser (NM_000425.5, NM_024003.3); c.791T>C, p.Phe264Ser (NM_001143963.2); short protein forms F269S, F264S.
Identifiers: ClinVar variation 2825735 (VCV002825735.3), dbSNP rs2064757512, ClinGen allele CA415132826.